The following is an entry in ClinVar:

ClinVar aggregate classification (germline): Likely pathogenic (1 of 4 stars; one submission).

Conditions:
Fanconi anemia (FA). Also called: Fanconi's anemia. Identifiers: Orphanet 84, MedGen C0015625, MeSH D005199, MONDO:0019391.

gnomAD v4.1: 2 of 1,614,052 alleles (0.00012%); highest among the groups gnomAD compares: Non-Finnish European, 0.00017%; no homozygotes.

Submission:

Natera, Inc.
Classification: Likely pathogenic for Fanconi anemia. Last evaluated: 2025-02-18. Review status: criteria provided, single submitter. Criteria: Natera Variant Classification Schema (03/2026). Collection method: clinical testing. Allele origin: germline.
Comment: The c.1450G>C variant in FANCA is a missense variant predicted to cause substitution of glutamic acid to glutamine at amino acid 484. This variant is rare in the general population with a frequency below the threshold expected for the associated phenotype(s). This variant has been observed in one or more individuals affected with the associated recessive disease, as either homozygous or compound heterozygous with a second variant (PMID: 37934348, 24584348). This variant has been identified in one or more affected individual with a phenotype highly consistent with the associated gene (PMID: 24584348). Computational prediction algorithms indicate this variant is likely to affect gene or protein function. Given the available evidence, this variant is classified as Likely Pathogenic.

Literature cited by the submitters: PubMed 37934348; PubMed 24584348.

NM_000135.4(FANCA):c.1450G>C (p.Glu484Gln)

Gene: FANCA (FA complementation group A; minus strand). Cytogenetic location: 16q24.3.
Variant type: single nucleotide variant.
Coding change: c.1450G>C on transcript NM_000135.4 (MANE Select); coding-DNA position 1450, G replaced by C.
Protein change: p.Glu484Gln; replaces glutamic acid 484 with glutamine.
Molecular consequence: missense variant.
Genome position (GRCh38, 1-based): chr16:89,784,874, C>G on the plus strand (G>C on the coding strand, the complement: FANCA is on the minus strand). VCF-style: chr16-89784874-C-G. GRCh37 (hg19) VCF-style: chr16-89851282-C-G.
Other names: c.1450G>C, p.Glu484Gln (NM_001286167.3); short protein forms E484Q.
Identifiers: ClinVar variation 4817512 (VCV004817512.1).